The following is an entry in ClinVar:

ClinVar aggregate classification (germline): Uncertain significance (1 of 4 stars; one submission).

Submission:

Labcorp Genetics (formerly Invitae), Labcorp
Classification: Uncertain significance. Last evaluated: 2024-04-08. Review status: criteria provided, single submitter. Criteria: Invitae Variant Classification Sherloc (09022015). Collection method: clinical testing. Allele origin: germline.
Comment: This variant, c.594_596del, results in the deletion of 1 amino acid(s) of the ADAMTS9 protein (p.Glu199del), but otherwise preserves the integrity of the reading frame. This variant is not present in population databases (gnomAD no frequency). This variant has not been reported in the literature in individuals affected with ADAMTS9-related conditions. ClinVar contains an entry for this variant (Variation ID: 2117504). Experimental studies and prediction algorithms are not available or were not evaluated, and the functional significance of this variant is currently unknown. In summary, the available evidence is currently insufficient to determine the role of this variant in disease. Therefore, it has been classified as a Variant of Uncertain Significance.

NM_182920.2(ADAMTS9):c.594_596del (p.Glu199del)

Gene: ADAMTS9 (ADAM metallopeptidase with thrombospondin type 1 motif 9; minus strand). Cytogenetic location: 3p14.1.
Variant type: Deletion.
Coding change: c.594_596del on transcript NM_182920.2 (MANE Select); coding-DNA positions 594 to 596, 3 bases deleted (GGA; older notation c.594_596delGGA).
Protein change: p.Glu199del; deletes glutamic acid 199.
Molecular consequence: inframe deletion.
Genome position (GRCh38, 1-based): chr3:64,681,284-64,681,286, TCC deleted on the plus strand (GGA on the coding strand, the reverse complement: ADAMTS9 is on the minus strand); deleting any 3 consecutive bases within chr3:64,681,284-64,681,288 gives the same sequence; the c. name uses the placement nearest the transcript's 3' end. VCF-style (leftmost placement, unchanged base first): chr3-64681283-TTCC-T. GRCh37 (hg19) VCF-style: chr3-64666959-TTCC-T.
Other names: c.594_596del, p.Glu199del (NM_001318781.2); short protein forms E199del.
Identifiers: ClinVar variation 2117504 (VCV002117504.4), dbSNP rs2471090170, ClinGen allele CA2577813758.